The following is an entry in ClinVar:

NM_002471.4(MYH6):c.4192C>T (p.Arg1398Trp)

Gene: MYH6 (myosin heavy chain 6; minus strand). Cytogenetic location: 14q11.2.
Variant type: single nucleotide variant.
Coding change: c.4192C>T on transcript NM_002471.4 (MANE Select); coding-DNA position 4192, C replaced by T.
Protein change: p.Arg1398Trp; replaces arginine 1398 with tryptophan.
Molecular consequence: missense variant.
Genome position (GRCh38, 1-based): chr14:23,388,322, G>A on the plus strand (C>T on the coding strand, the complement: MYH6 is on the minus strand). VCF-style: chr14-23388322-G-A. GRCh37 (hg19) VCF-style: chr14-23857531-G-A.
Other names: short protein forms R1398W.
Identifiers: ClinVar variation 662744 (VCV000662744.14), dbSNP rs374022661, ClinGen allele CA7114845.

ClinVar aggregate classification (germline): Uncertain significance. Review status: criteria provided, multiple submitters, no conflicts (2 of 4 stars). 5 submissions from 5 submitters: Uncertain significance (5). Last evaluated 2026-06-01.

Conditions:
Sick sinus syndrome 3, susceptibility to (SSS3). Identifiers: Orphanet 166282, MedGen C3279791, MONDO:0013568, OMIM 614090.
Dilated cardiomyopathy 1EE (CMD1EE). Identifiers: Orphanet 154, MedGen C2750466, MONDO:0013198, OMIM 613252.
Hypertrophic cardiomyopathy 14. Identifiers: MedGen C2750467, MONDO:0013197, OMIM 613251.
Hypertrophic cardiomyopathy 1 (CMH1). Also called: Familial hypertrophic cardiomyopathy 1; MYH7-Related Familial Hypertrophic Cardiomyopathy. Identifiers: MedGen C3495498, MONDO:0008647, OMIM 192600.
Atrial septal defect 3 (ASD3). Identifiers: Orphanet 1478, MedGen C3279790, MONDO:0013567, OMIM 614089.
Cardiovascular phenotype. Identifiers: MedGen CN230736.

Allele frequency attached by ClinVar (database versions not stated): gnomAD 0.00002; TOPMed 0.00002; ExAC 0.00003; gnomAD exomes 0.00005; ESP Exome Variant Server 0.00008.
gnomAD v4.1: 42 of 1,612,984 alleles (0.0026%); highest among the groups gnomAD compares: African/African-American, 0.0053%; no homozygotes.

Submissions (5):

CeGaT Center for Human Genetics Tuebingen
Classification: Uncertain significance. Last evaluated: 2026-06-01. Review status: criteria provided, single submitter. Criteria: CeGaT Center For Human Genetics Tuebingen Variant Classification Criteria Version 2. Collection method: clinical testing. Allele origin: germline. Affected: yes. Observed: 1 variant allele.
Comment: MYH6: PM5, PP3

Labcorp Genetics (formerly Invitae), Labcorp
Classification: Uncertain significance for Hypertrophic cardiomyopathy 14. Last evaluated: 2025-12-22. Review status: criteria provided, single submitter. Criteria: Invitae Variant Classification Sherloc (09022015). Collection method: clinical testing. Allele origin: germline.
Comment: This sequence change replaces arginine, which is basic and polar, with tryptophan, which is neutral and slightly polar, at codon 1398 of the MYH6 protein (p.Arg1398Trp). This variant is present in population databases (rs374022661, gnomAD 0.01%). This variant has not been reported in the literature in individuals affected with MYH6-related conditions. ClinVar contains an entry for this variant (Variation ID: 662744). Invitae Evidence Modeling of protein sequence and biophysical properties (such as structural, functional, and spatial information, amino acid conservation, physicochemical variation, residue mobility, and thermodynamic stability) indicates that this missense variant is expected to disrupt MYH6 protein function with a positive predictive value of 80%. In summary, the available evidence is currently insufficient to determine the role of this variant in disease. Therefore, it has been classified as a Variant of Uncertain Significance.

Ambry Genetics
Classification: Uncertain significance for Cardiovascular phenotype. Last evaluated: 2025-01-08. Review status: criteria provided, single submitter. Criteria: Ambry Variant Classification Scheme 2023. Collection method: clinical testing. Allele origin: germline.

Fulgent Genetics
Classification: Uncertain significance for Hypertrophic cardiomyopathy 1; Hypertrophic cardiomyopathy 14; Dilated cardiomyopathy 1EE; Atrial septal defect 3; Sick sinus syndrome 3, susceptibility to. Last evaluated: 2021-08-11. Review status: criteria provided, single submitter. Criteria: ACMG Guidelines, 2015. Collection method: clinical testing. Allele origin: unknown.

GeneDx
Classification: Uncertain significance. Last evaluated: 2019-04-26. Review status: criteria provided, single submitter. Criteria: GeneDx Variant Classification Process June 2021. Collection method: clinical testing. Allele origin: germline. Affected: yes.
Comment: Has not been previously published as pathogenic or benign to our knowledge; In silico analysis, which includes protein predictors and evolutionary conservation, supports a deleterious effect